The following is an entry in ClinVar:

NM_001148.6(ANK2):c.11641A>G (p.Thr3881Ala)

Gene: ANK2 (ankyrin 2; plus strand). Cytogenetic location: 4q26.
Variant type: single nucleotide variant.
Coding change: c.11641A>G on transcript NM_001148.6 (MANE Select); coding-DNA position 11641, A replaced by G.
Protein change: p.Thr3881Ala; replaces threonine 3881 with alanine.
Molecular consequence: missense variant. On other transcripts: intron variant (1).
Genome position (GRCh38, 1-based): chr4:113,373,120, A>G. VCF-style: chr4-113373120-A-G. GRCh37 (hg19) VCF-style: chr4-114294276-A-G.
Other names: c.5224A>G, p.Thr1742Ala (NM_001354275.2, NM_001354245.2, NM_001354262.2); c.5200A>G, p.Thr1734Ala (NM_001354276.2, NM_001386162.1, NM_001354249.2 and 2 more transcripts); c.5002A>G, p.Thr1668Ala (NM_001354277.2, NM_001386157.1); c.2914A>G, p.Thr972Ala (NM_001354278.2, NM_001354281.2); c.2950A>G, p.Thr984Ala (NM_001354279.2, NM_001354282.2); c.2935A>G, p.Thr979Ala (NM_001354280.2); c.4903A>G, p.Thr1635Ala (NM_001386158.1); c.5230A>G, p.Thr1744Ala (NM_001386160.1); and 44 more; short protein forms T1696A, T1721A, T1762A, T1763A, T1796A, T1800A, T1826A, T1841A.
Identifiers: ClinVar variation 642490 (VCV000642490.16), dbSNP rs373688313, ClinGen allele CA3052338.

ClinVar aggregate classification (germline): Conflicting classifications of pathogenicity. Review status: criteria provided, conflicting classifications (1 of 4 stars). 5 submissions from 5 submitters: Uncertain significance (4); Likely benign (1). Last evaluated 2025-04-23.

Conditions:
Long QT syndrome (LQTS). Identifiers: MedGen C0023976, MeSH D008133, MONDO:0002442. Disease mechanism: loss of function. Inheritance: Various modes of inheritance.
Cardiovascular phenotype. Identifiers: MedGen CN230736.
Cardiac arrhythmia, ankyrin-B-related. Also called: ANKYRIN-B SYNDROME. Identifiers: Orphanet 101016, Orphanet 768, MedGen C1970119, MONDO:0010958, OMIM 600919.

Allele frequency attached by ClinVar (database versions not stated): gnomAD exomes 0.00001 and 0.00002; ExAC 0.00002; ESP Exome Variant Server 0.00008; TOPMed 0.00009; gnomAD 0.00011.
gnomAD v4.1: 28 of 1,614,048 alleles (0.0017%); highest among the groups gnomAD compares: African/African-American, 0.031%; no homozygotes.

Submissions (5):

Labcorp Genetics (formerly Invitae), Labcorp
Classification: Uncertain significance for Long QT syndrome. Last evaluated: 2025-04-23. Review status: criteria provided, single submitter. Criteria: Invitae Variant Classification Sherloc (09022015). Collection method: clinical testing. Allele origin: germline.
Comment: This sequence change replaces threonine, which is neutral and polar, with alanine, which is neutral and non-polar, at codon 3881 of the ANK2 protein (p.Thr3881Ala). This variant is present in population databases (rs373688313, gnomAD 0.03%). This missense change has been observed in individual(s) with ANK2-related conditions (PMID: 30847666). ClinVar contains an entry for this variant (Variation ID: 642490). An algorithm developed to predict the effect of missense changes on protein structure and function (PolyPhen-2) suggests that this variant is likely to be tolerated. In summary, the available evidence is currently insufficient to determine the role of this variant in disease. Therefore, it has been classified as a Variant of Uncertain Significance.

Ambry Genetics
Classification: Uncertain significance for Cardiovascular phenotype. Last evaluated: 2024-06-27. Review status: criteria provided, single submitter. Criteria: Ambry Variant Classification Scheme 2023. Collection method: clinical testing. Allele origin: germline.
Comment: The p.T3881A variant (also known as c.11641A>G), located in coding exon 44 of the ANK2 gene, results from an A to G substitution at nucleotide position 11641. The threonine at codon 3881 is replaced by alanine, an amino acid with similar properties. This amino acid position is not well conserved in available vertebrate species. In addition, the in silico prediction for this alteration is inconclusive. According to data from gnomAD, the frequency for this variant is above the maximum credible frequency for a cardiac disease-causing variant in this gene based on internally established thresholds (Karczewski et al. Nature. 2020 May;581(7809):434-443; Whiffin et al. Genet Med. 2017 10;19:1151-1158). Based on the supporting evidence, the association of this alteration with ANK2-related neurodevelopmental disorder is unknown; however, the association with ANK2-related arrhythmia is unlikely.

GeneDx
Classification: Uncertain significance. Last evaluated: 2024-03-21. Review status: criteria provided, single submitter. Criteria: GeneDx Variant Classification Process June 2021. Collection method: clinical testing. Allele origin: germline. Affected: yes.
Comment: In silico analysis supports that this missense variant does not alter protein structure/function; This variant is associated with the following publications: (PMID: 25351510, 30847666)

Blueprint Genetics
Classification: Likely benign. Last evaluated: 2022-04-06. Review status: criteria provided, single submitter. Criteria: ACMG Guidelines, 2015. Collection method: clinical testing. Allele origin: germline.

Fulgent Genetics
Classification: Uncertain significance for Cardiac arrhythmia, ankyrin-B-related. Last evaluated: 2021-09-08. Review status: criteria provided, single submitter. Criteria: ACMG Guidelines, 2015. Collection method: clinical testing. Allele origin: unknown.

Literature cited by the submitters: PubMed 30847666 (cited by Labcorp Genetics (formerly Invitae), Labcorp and Ambry Genetics); PubMed 25351510 (cited by Ambry Genetics).